The following is an entry in ClinVar:

NM_000057.4(BLM):c.145G>A (p.Val49Ile)

Gene: BLM (BLM RecQ like helicase; plus strand). Cytogenetic location: 15q26.1.
Variant type: single nucleotide variant.
Coding change: c.145G>A on transcript NM_000057.4 (MANE Select); coding-DNA position 145, G replaced by A.
Protein change: p.Val49Ile; replaces valine 49 with isoleucine.
Molecular consequence: missense variant. On other transcripts: 5 prime UTR variant (1).
Genome position (GRCh38, 1-based): chr15:90,749,413, G>A. VCF-style: chr15-90749413-G-A. GRCh37 (hg19) VCF-style: chr15-91292643-G-A.
Other names: c.145G>A, p.Val49Ile (NM_001287246.2, NM_001287247.2); c.-1147G>A (NM_001287248.2); c.145G>A (NM_000057.2); short protein forms V49I.
Identifiers: ClinVar variation 863978 (VCV000863978.9), dbSNP rs558379347, ClinGen allele CA7738251.
Genomic context (GRCh38, chr15:90,749,413, plus strand): 5'-CCATTATTTTTCAGAGGTTTCACTTTTAAAAAGAAAACATCTTCAGATAACAATGTATCT[G>A]TAACTAATGTGTCAGTAGCAAAAACACCTGTATTAAGAAATAAAGATGTTAATGTTACCG-3'
Protein context (NP_000048.1, residues 39-59): KKTSSDNNVS[Val49Ile]TNVSVAKTPV

ClinVar aggregate classification (germline): Conflicting classifications of pathogenicity. Review status: criteria provided, conflicting classifications (1 of 4 stars). 3 submissions from 3 submitters: Uncertain significance (1); Likely benign (1). 1 of the submissions does not count toward it. Last evaluated 2024-10-30.

Conditions:
Hereditary cancer-predisposing syndrome. Also called: Hereditary Cancer Syndrome; Tumor predisposition; Neoplastic Syndromes, Hereditary; Hereditary neoplastic syndrome. Identifiers: Orphanet 140162, MedGen C0027672, MeSH D009386, MONDO:0015356.
Bloom syndrome (BLM). Also called: Bloom-Torre-Machacek syndrome. Identifiers: Orphanet 125, MedGen C0005859, MONDO:0008876, OMIM 210900.

Allele frequency attached by ClinVar (database versions not stated): gnomAD exomes below 0.00001; ExAC 0.00001; gnomAD 0.00001; 1000 Genomes Project 30x 0.00016; 1000 Genomes Project 0.00020.
gnomAD v4.1: 1 of 1,609,434 alleles (0.000062%); highest among the groups gnomAD compares: East Asian, 0.0022%; no homozygotes.

Submissions (3):

Labcorp Genetics (formerly Invitae), Labcorp
Classification: Uncertain significance for Bloom syndrome. Last evaluated: 2024-10-30. Review status: criteria provided, single submitter. Criteria: Invitae Variant Classification Sherloc (09022015). Collection method: clinical testing. Allele origin: germline.
Comment: This sequence change replaces valine, which is neutral and non-polar, with isoleucine, which is neutral and non-polar, at codon 49 of the BLM protein (p.Val49Ile). This variant is present in population databases (rs558379347, gnomAD 0.006%). This variant has not been reported in the literature in individuals affected with BLM-related conditions. ClinVar contains an entry for this variant (Variation ID: 863978). An algorithm developed to predict the effect of missense changes on protein structure and function outputs the following: PolyPhen-2: "Benign". The isoleucine amino acid residue is found in multiple mammalian species, which suggests that this missense change does not adversely affect protein function. In summary, the available evidence is currently insufficient to determine the role of this variant in disease. Therefore, it has been classified as a Variant of Uncertain Significance.

Ambry Genetics
Classification: Likely benign for Hereditary cancer-predisposing syndrome. Last evaluated: 2024-03-14. Review status: criteria provided, single submitter. Criteria: Ambry Variant Classification Scheme 2023. Collection method: clinical testing. Allele origin: germline.

Natera, Inc.
Classification: Uncertain significance for Bloom syndrome. Last evaluated: 2020-09-16. Review status: no assertion criteria provided. Collection method: clinical testing. Allele origin: germline. Not counted in ClinVar's aggregate classification.